The following is an entry in ClinVar:

ClinVar aggregate classification (germline): Conflicting classifications of pathogenicity. Review status: criteria provided, conflicting classifications (1 of 4 stars). 6 submissions from 6 submitters: Uncertain significance (3); Benign (1); Likely benign (2). Last evaluated 2025-05-27.

Conditions:
Inborn genetic diseases. Identifiers: MedGen C0950123, MeSH D030342.

Allele frequency attached by ClinVar (database versions not stated): TOPMed 0.00003; gnomAD 0.00006 and 0.00009; ExAC 0.00013.
gnomAD v4.1: 78 of 1,549,866 alleles (0.005%); highest among the groups gnomAD compares: South Asian, 0.025%; no homozygotes.

Submissions (6):

Mayo Clinic Laboratories, Mayo Clinic
Classification: Uncertain significance. Last evaluated: 2025-05-27. Review status: criteria provided, single submitter. Criteria: ACMG Guidelines, 2015. Collection method: clinical testing. Allele origin: germline. Observed: 1 variant allele.
Comment: BP4_moderate, PM2_supporting

Labcorp Genetics (formerly Invitae), Labcorp
Classification: Benign. Last evaluated: 2025-03-30. Review status: criteria provided, single submitter. Criteria: Invitae Variant Classification Sherloc (09022015). Collection method: clinical testing. Allele origin: germline.

Revvity Omics, Revvity
Classification: Uncertain significance. Last evaluated: 2024-03-26. Review status: criteria provided, single submitter. Criteria: ACMG Guidelines, 2015. Collection method: clinical testing. Allele origin: germline.

Blueprint Genetics
Classification: Likely benign. Last evaluated: 2022-07-01. Review status: criteria provided, single submitter. Criteria: ACMG Guidelines, 2015. Collection method: clinical testing. Allele origin: germline.

Ambry Genetics
Classification: Likely benign for Inborn genetic diseases. Last evaluated: 2022-04-07. Review status: criteria provided, single submitter. Criteria: Ambry Variant Classification Scheme 2023. Collection method: clinical testing. Allele origin: germline.

GeneDx
Classification: Uncertain significance. Last evaluated: 2019-12-23. Review status: criteria provided, single submitter. Criteria: GeneDx Variant Classification Process June 2021. Collection method: clinical testing. Allele origin: germline. Affected: yes.
Comment: Has not been previously published as pathogenic or benign to our knowledge; In silico analysis, which includes protein predictors and evolutionary conservation, supports that this variant does not alter protein structure/function

NM_001142864.4(PIEZO1):c.3376C>T (p.Arg1126Cys)

Gene: PIEZO1 (piezo type mechanosensitive ion channel component 1 (Er blood group); minus strand). Cytogenetic location: 16q24.3.
Variant type: single nucleotide variant.
Coding change: c.3376C>T on transcript NM_001142864.4 (MANE Select); coding-DNA position 3376, C replaced by T.
Protein change: p.Arg1126Cys; replaces arginine 1126 with cysteine.
Molecular consequence: missense variant.
Genome position (GRCh38, 1-based): chr16:88,727,118, G>A on the plus strand (C>T on the coding strand, the complement: PIEZO1 is on the minus strand). VCF-style: chr16-88727118-G-A. GRCh37 (hg19) VCF-style: chr16-88793526-G-A.
Other names: p.Arg1126Cys; short protein forms R1126C.
Identifiers: ClinVar variation 1311511 (VCV001311511.8), dbSNP rs753243797, ClinGen allele CA8232508.